The following is an entry in ClinVar:

NM_000051.4(ATM):c.4552_4556del (p.His1518fs)

Gene: ATM (ATM serine/threonine kinase; plus strand). Cytogenetic location: 11q22.3.
Variant type: Deletion.
Coding change: c.4552_4556del on transcript NM_000051.4 (MANE Select); coding-DNA positions 4552 to 4556, 5 bases deleted (CATGT; older notation c.4552_4556delCATGT).
Protein change: p.His1518fs; shifts the reading frame from histidine 1518.
Molecular consequence: frameshift variant.
Genome position (GRCh38, 1-based): chr11:108,292,734-108,292,738, CATGT deleted; deleting any 5 consecutive bases within chr11:108,292,733-108,292,738 gives the same sequence; the c. name uses the placement nearest the transcript's 3' end. VCF-style (leftmost placement, unchanged base first): chr11-108292732-TTCATG-T. GRCh37 (hg19) VCF-style: chr11-108163459-TTCATG-T.
Other names: c.4552_4556del, p.His1518fs (NM_001351834.2); short protein forms H1518fs.
Identifiers: ClinVar variation 969046 (VCV000969046.7), dbSNP rs2082868647, ClinGen allele CA1139662306.

ClinVar aggregate classification (germline): Pathogenic (1 of 4 stars; one submission).

Conditions:
Ataxia-telangiectasia syndrome (AT). Also called: ATAXIA-TELANGIECTASIA, FRESNO VARIANT; Ataxia-telangiectasia, complementation group E; Ataxia telangiectasia (A-T); LOUIS-BAR SYNDROME; Ataxia-telangiectasia, complementation group D; AT, COMPLEMENTATION GROUP C. Identifiers: Orphanet 100, MedGen C0004135, MONDO:0008840, OMIM 208900.

Submission:

Labcorp Genetics (formerly Invitae), Labcorp
Classification: Pathogenic for Ataxia-telangiectasia syndrome. Last evaluated: 2022-01-28. Review status: criteria provided, single submitter. Criteria: Invitae Variant Classification Sherloc (09022015). Collection method: clinical testing. Allele origin: germline.
Comment: This variant has not been reported in the literature in individuals affected with ATM-related conditions. For these reasons, this variant has been classified as Pathogenic. ClinVar contains an entry for this variant (Variation ID: 969046). This variant is not present in population databases (gnomAD no frequency). This sequence change creates a premature translational stop signal (p.His1518Tyrfs*11) in the ATM gene. It is expected to result in an absent or disrupted protein product. Loss-of-function variants in ATM are known to be pathogenic (PMID: 23807571, 25614872).

Literature cited by the submitters: PubMed 23807571; PubMed 25614872.